The following is an entry in ClinVar:

NM_003803.4(MYOM1):c.1958A>T (p.Tyr653Phe)

Gene: MYOM1 (myomesin 1; minus strand). Cytogenetic location: 18p11.31.
Variant type: single nucleotide variant.
Coding change: c.1958A>T on transcript NM_003803.4 (MANE Select); coding-DNA position 1958, A replaced by T.
Protein change: p.Tyr653Phe; replaces tyrosine 653 with phenylalanine.
Molecular consequence: missense variant.
Genome position (GRCh38, 1-based): chr18:3,142,006, T>A on the plus strand (A>T on the coding strand, the complement: MYOM1 is on the minus strand). VCF-style: chr18-3142006-T-A. GRCh37 (hg19) VCF-style: chr18-3142004-T-A.
Other names: c.1958A>T, p.Tyr653Phe (NM_019856.2); short protein forms Y653F.
Identifiers: ClinVar variation 3877133 (VCV003877133.1).

ClinVar aggregate classification (germline): Uncertain significance (1 of 4 stars; one submission).

Submission:

Ambry Genetics
Classification: Uncertain significance. Last evaluated: 2024-12-31. Review status: criteria provided, single submitter. Criteria: Ambry Variant Classification Scheme 2023. Collection method: clinical testing. Allele origin: germline.
Comment: The p.Y653F variant (also known as c.1958A>T), located in coding exon 13 of the MYOM1 gene, results from an A to T substitution at nucleotide position 1958. The tyrosine at codon 653 is replaced by phenylalanine, an amino acid with highly similar properties. This amino acid position is conserved. In addition, the in silico prediction for this alteration is inconclusive. Based on the available evidence, the clinical significance of this variant remains unclear.